The following is an entry in ClinVar:

ClinVar aggregate classification (germline): Conflicting classifications of pathogenicity. Review status: criteria provided, conflicting classifications (1 of 4 stars). 3 submissions from 3 submitters: Uncertain significance (2); Likely benign (1). Last evaluated 2025-08-25.

Conditions:
Inborn genetic diseases. Identifiers: MedGen C0950123, MeSH D030342.

Allele frequency attached by ClinVar (database versions not stated): gnomAD 0.00001 and 0.00002; TOPMed 0.00002; ExAC 0.00003; gnomAD exomes 0.00003 and 0.00010; ESP Exome Variant Server 0.00017.
gnomAD v4.1: 146 of 1,603,016 alleles (0.0091%); highest among the groups gnomAD compares: Non-Finnish European, 0.012%; no homozygotes.

Submissions (3):

Ambry Genetics
Classification: Likely benign for Inborn genetic diseases. Last evaluated: 2025-08-25. Review status: criteria provided, single submitter. Criteria: Ambry Variant Classification Scheme 2023. Collection method: clinical testing. Allele origin: germline.

CeGaT Center for Human Genetics Tuebingen
Classification: Uncertain significance. Last evaluated: 2024-01-01. Review status: criteria provided, single submitter. Criteria: CeGaT Center For Human Genetics Tuebingen Variant Classification Criteria Version 2. Collection method: clinical testing. Allele origin: germline. Affected: yes. Observed: 1 variant allele.
Comment: MYSM1: PM2, BP4

Labcorp Genetics (formerly Invitae), Labcorp
Classification: Uncertain significance. Last evaluated: 2022-04-26. Review status: criteria provided, single submitter. Criteria: Invitae Variant Classification Sherloc (09022015). Collection method: clinical testing. Allele origin: germline.
Comment: This sequence change replaces methionine, which is neutral and non-polar, with valine, which is neutral and non-polar, at codon 97 of the MYSM1 protein (p.Met97Val). This variant is present in population databases (rs371957963, gnomAD 0.008%). This variant has not been reported in the literature in individuals affected with MYSM1-related conditions. Algorithms developed to predict the effect of missense changes on protein structure and function output the following: SIFT: "Tolerated"; PolyPhen-2: "Benign"; Align-GVGD: "Class C0". The valine amino acid residue is found in multiple mammalian species, which suggests that this missense change does not adversely affect protein function. In summary, the available evidence is currently insufficient to determine the role of this variant in disease. Therefore, it has been classified as a Variant of Uncertain Significance.

NM_001085487.3(MYSM1):c.289A>G (p.Met97Val)

Gene: MYSM1 (Myb like, SWIRM and MPN domains 1; minus strand). Cytogenetic location: 1p32.1.
Variant type: single nucleotide variant.
Coding change: c.289A>G on transcript NM_001085487.3 (MANE Select); coding-DNA position 289, A replaced by G.
Protein change: p.Met97Val; replaces methionine 97 with valine.
Molecular consequence: missense variant.
Genome position (GRCh38, 1-based): chr1:58,690,347, T>C on the plus strand (A>G on the coding strand, the complement: MYSM1 is on the minus strand). VCF-style: chr1-58690347-T-C. GRCh37 (hg19) VCF-style: chr1-59156019-T-C.
Other names: c.289A>G (NM_001085487.2); short protein forms M97V.
Identifiers: ClinVar variation 1354175 (VCV001354175.26), dbSNP rs371957963, ClinGen allele CA878092.